The following is an entry in ClinVar:

NM_001606.5(ABCA2):c.6412_6415del (p.Ala2138fs)

Gene: ABCA2 (ATP binding cassette subfamily A member 2; minus strand). Cytogenetic location: 9q34.3.
Variant type: Deletion.
Coding change: c.6412_6415del on transcript NM_001606.5 (MANE Select); coding-DNA positions 6412 to 6415, 4 bases deleted (GCGC; older notation c.6412_6415delGCGC).
Protein change: p.Ala2138fs; shifts the reading frame from alanine 2138.
Molecular consequence: frameshift variant.
Genome position (GRCh38, 1-based): chr9:137,010,063-137,010,066, GCGC deleted on the plus strand (GCGC on the coding strand, the reverse complement: ABCA2 is on the minus strand); deleting any 4 consecutive bases within chr9:137,010,063-137,010,067 gives the same sequence; the c. name uses the placement nearest the transcript's 3' end. VCF-style (leftmost placement, unchanged base first): chr9-137010062-AGCGC-A. GRCh37 (hg19) VCF-style: chr9-139904514-AGCGC-A.
Other names: c.6409_6412del, p.Ala2137fs (NM_001411042.1); c.6502_6505del, p.Ala2168fs (NM_212533.3); short protein forms A2137fs, A2138fs, A2168fs.
Identifiers: ClinVar variation 4891159 (VCV004891159.1).

ClinVar aggregate classification (germline): Likely pathogenic (1 of 4 stars; one submission).

Conditions:
Intellectual developmental disorder with poor growth and with or without seizures or ataxia. Identifiers: MedGen C5394135, MONDO:0032930, OMIM 618808.

Submission:

Greenwood Genetic Center Diagnostic Laboratories, Greenwood Genetic Center
Classification: Likely pathogenic for Intellectual developmental disorder with poor growth and with or without seizures or ataxia. Last evaluated: 2026-04-02. Review status: criteria provided, single submitter. Criteria: ACMG Guidelines, 2015. Collection method: clinical testing. Allele origin: germline. Affected: yes.
Comment: PVS1, PM2